The following is an entry in ClinVar:

NM_018646.6(TRPV6):c.2006G>T (p.Trp669Leu)

Gene: TRPV6 (transient receptor potential cation channel subfamily V member 6; minus strand). Cytogenetic location: 7q34.
Variant type: single nucleotide variant.
Coding change: c.2006G>T on transcript NM_018646.6 (MANE Select); coding-DNA position 2006, G replaced by T.
Protein change: p.Trp669Leu; replaces tryptophan 669 with leucine.
Molecular consequence: missense variant.
Genome position (GRCh38, 1-based): chr7:142,872,381, C>A on the plus strand (G>T on the coding strand, the complement: TRPV6 is on the minus strand). VCF-style: chr7-142872381-C-A. GRCh37 (hg19) VCF-style: chr7-142570134-C-A.
Other names: short protein forms W669L.
Identifiers: ClinVar variation 3653957 (VCV003653957.2).

ClinVar aggregate classification (germline): Uncertain significance (1 of 4 stars; one submission).

Submission:

Labcorp Genetics (formerly Invitae), Labcorp
Classification: Uncertain significance. Last evaluated: 2024-05-21. Review status: criteria provided, single submitter. Criteria: Invitae Variant Classification Sherloc (09022015). Collection method: clinical testing. Allele origin: germline.
Comment: This sequence change replaces tryptophan, which is neutral and slightly polar, with leucine, which is neutral and non-polar, at codon 669 of the TRPV6 protein (p.Trp669Leu). This variant is not present in population databases (gnomAD no frequency). This variant has not been reported in the literature in individuals affected with TRPV6-related conditions. Experimental studies and prediction algorithms are not available or were not evaluated, and the functional significance of this variant is currently unknown. In summary, the available evidence is currently insufficient to determine the role of this variant in disease. Therefore, it has been classified as a Variant of Uncertain Significance.